The following is an entry in ClinVar:

NM_001025616.3(ARHGAP24):c.278G>A (p.Arg93Gln)

Gene: ARHGAP24 (Rho GTPase activating protein 24; plus strand). Cytogenetic location: 4q21.23.
Variant type: single nucleotide variant.
Coding change: c.278G>A on transcript NM_001025616.3 (MANE Select); coding-DNA position 278, G replaced by A.
Protein change: p.Arg93Gln; replaces arginine 93 with glutamine.
Molecular consequence: missense variant. On other transcripts: 5 prime UTR variant (2).
Genome position (GRCh38, 1-based): chr4:85,923,657, G>A. VCF-style: chr4-85923657-G-A. GRCh37 (hg19) VCF-style: chr4-86844810-G-A.
Other names: c.-8G>A (NM_001042669.2); c.23G>A, p.Arg8Gln (NM_001287805.2); c.-94G>A (NM_001346093.2); short protein forms R93Q, R8Q.
Identifiers: ClinVar variation 1900416 (VCV001900416.5), dbSNP rs754847297, ClinGen allele CA2994398.

ClinVar aggregate classification (germline): Uncertain significance (1 of 4 stars; one submission).

Allele frequency attached by ClinVar (database versions not stated): gnomAD exomes below 0.00001; ExAC 0.00001.
gnomAD v4.1: 2 of 1,613,676 alleles (0.00012%); highest among the groups gnomAD compares: Non-Finnish European, 0.00017%; no homozygotes.

Submission:

Labcorp Genetics (formerly Invitae), Labcorp
Classification: Uncertain significance. Last evaluated: 2022-04-23. Review status: criteria provided, single submitter. Criteria: Invitae Variant Classification Sherloc (09022015). Collection method: clinical testing. Allele origin: germline.
Comment: In summary, the available evidence is currently insufficient to determine the role of this variant in disease. Therefore, it has been classified as a Variant of Uncertain Significance. Algorithms developed to predict the effect of missense changes on protein structure and function output the following: SIFT: "Deleterious"; PolyPhen-2: "Benign"; Align-GVGD: "Class C0". The glutamine amino acid residue is found in multiple mammalian species, which suggests that this missense change does not adversely affect protein function. This variant has not been reported in the literature in individuals affected with ARHGAP24-related conditions. This variant is present in population databases (rs754847297, gnomAD 0.0009%). This sequence change replaces arginine, which is basic and polar, with glutamine, which is neutral and polar, at codon 93 of the ARHGAP24 protein (p.Arg93Gln).